The following is an entry in ClinVar:

ClinVar aggregate classification (germline): Likely benign. Review status: criteria provided, multiple submitters, no conflicts (2 of 4 stars). 5 submissions from 5 submitters: Likely benign (2). 3 of the submissions do not count toward it. Last evaluated 2026-02-01.

Conditions:
Joubert syndrome. Also called: JOUBERT-BOLTSHAUSER SYNDROME; Familial aplasia of the vermis; CEREBELLOPARENCHYMAL DISORDER IV. Identifiers: Orphanet 475, MedGen C5979921, MONDO:0018772.

Submissions (5):

Labcorp Genetics (formerly Invitae), Labcorp
Classification: Likely benign for Joubert syndrome. Last evaluated: 2026-02-01. Review status: criteria provided, single submitter. Criteria: Invitae Variant Classification Sherloc (09022015). Collection method: clinical testing. Allele origin: germline.

GeneDx
Classification: Likely benign. Last evaluated: 2016-05-26. Review status: criteria provided, single submitter. Criteria: GeneDx Variant Classification (06012015). Collection method: clinical testing. Allele origin: germline. Affected: yes.
Comment: This variant is considered likely benign or benign based on one or more of the following criteria: it is a conservative change, it occurs at a poorly conserved position in the protein, it is predicted to be benign by multiple in silico algorithms, and/or has population frequency not consistent with disease.

Clinical Genetics DNA and cytogenetics Diagnostics Lab, Erasmus MC, Erasmus Medical Center
Classification: Likely benign. Review status: no assertion criteria provided. Collection method: clinical testing. Allele origin: germline. Affected: yes. Study: VKGL Data-share Consensus. Not counted in ClinVar's aggregate classification.

Clinical Genetics, Academic Medical Center
Classification: Benign. Review status: no assertion criteria provided. Collection method: clinical testing. Allele origin: germline. Affected: yes. Study: VKGL Data-share Consensus. Not counted in ClinVar's aggregate classification.

Genome Diagnostics Laboratory, University Medical Center Utrecht
Classification: Benign. Review status: no assertion criteria provided. Collection method: clinical testing. Allele origin: germline. Affected: yes. Study: VKGL Data-share Consensus. Not counted in ClinVar's aggregate classification.

NM_019892.6(INPP5E):c.1159+8_1159+9insGGTGGGCGCAGCTGGAGG

Gene: INPP5E (inositol polyphosphate-5-phosphatase E; minus strand). Cytogenetic location: 9q34.3.
Variant type: Insertion.
Coding change: c.1159+8_1159+9insGGTGGGCGCAGCTGGAGG on transcript NM_019892.6 (MANE Select); bases 8 to 9 of the intron after coding-DNA position 1159, GGTGGGCGCAGCTGGAGG inserted.
Molecular consequence: splice donor variant.
Genome position: GRCh38 VCF-style: chr9-136433146-C-CGCGCCCACCCCTCCAGCT. GRCh37 (hg19) VCF-style: chr9-139327598-C-CGCGCCCACCCCTCCAGCT.
Other names: c.1159+8_1159+9insGGTGGGCGCAGCTGGAGG (NM_001318502.2).
Identifiers: ClinVar variation 415748 (VCV000415748.15), dbSNP rs747240016, ClinGen allele CA5336920.
Genomic context (GRCh38, chr9:136,433,146, plus strand): 5'-GGCAGCCCTCAGCTCACCTGTGGGACGCTGCCACCTTCCAGCCGCGCCCACCCCTCCAGC[C>CGCGCCCACCCCTCCAGCT]GCGCCCACCTGAGCAGAACCAGATGAGGTCCCTGCGGATGAAGAGCGACATGTAGAGCAC-3'